The following is an entry in ClinVar:

ClinVar aggregate classification (germline): Uncertain significance (1 of 4 stars; one submission).

Conditions:
Landau-Kleffner syndrome (FESD). Also called: EPILEPSY, FOCAL, WITH SPEECH DISORDER AND WITH OR WITHOUT MENTAL RETARDATION; APHASIA, ACQUIRED, WITH EPILEPSY. Identifiers: Orphanet 1945, Orphanet 725, Orphanet 98818, MedGen C0282512, MONDO:0009509, OMIM 245570.

Allele frequency attached by ClinVar (database versions not stated): TOPMed below 0.00001; gnomAD exomes below 0.00001.
gnomAD v4.1: 8 of 1,613,928 alleles (0.0005%); highest among the groups gnomAD compares: Non-Finnish European, 0.00059%; no homozygotes.

Submission:

Labcorp Genetics (formerly Invitae), Labcorp
Classification: Uncertain significance for Landau-Kleffner syndrome. Last evaluated: 2025-07-23. Review status: criteria provided, single submitter. Criteria: Invitae Variant Classification Sherloc (09022015). Collection method: clinical testing. Allele origin: germline.
Comment: This sequence change replaces serine, which is neutral and polar, with alanine, which is neutral and non-polar, at codon 1065 of the GRIN2A protein (p.Ser1065Ala). This variant is not present in population databases (gnomAD no frequency). This variant has not been reported in the literature in individuals affected with GRIN2A-related conditions. ClinVar contains an entry for this variant (Variation ID: 1952793). Invitae Evidence Modeling of protein sequence and biophysical properties (such as structural, functional, and spatial information, amino acid conservation, physicochemical variation, residue mobility, and thermodynamic stability) has been performed for this missense variant. However, the output from this modeling did not meet the statistical confidence thresholds required to predict the impact of this variant on GRIN2A protein function. In summary, the available evidence is currently insufficient to determine the role of this variant in disease. Therefore, it has been classified as a Variant of Uncertain Significance.

NM_001134407.3(GRIN2A):c.3193T>G (p.Ser1065Ala)

Gene: GRIN2A (glutamate ionotropic receptor NMDA type subunit 2A; minus strand). Cytogenetic location: 16p13.2.
Variant type: single nucleotide variant.
Coding change: c.3193T>G on transcript NM_001134407.3 (MANE Select); coding-DNA position 3193, T replaced by G.
Protein change: p.Ser1065Ala; replaces serine 1065 with alanine.
Molecular consequence: missense variant.
Genome position (GRCh38, 1-based): chr16:9,764,351, A>C on the plus strand (T>G on the coding strand, the complement: GRIN2A is on the minus strand). VCF-style: chr16-9764351-A-C. GRCh37 (hg19) VCF-style: chr16-9858208-A-C.
Other names: c.3193T>G, p.Ser1065Ala (NM_000833.5, NM_001134408.2); short protein forms S1065A.
Identifiers: ClinVar variation 1952793 (VCV001952793.5), dbSNP rs991874779, ClinGen allele CA277537623.